The following is an entry in ClinVar:

ClinVar aggregate classification (germline): Uncertain significance (1 of 4 stars; one submission).

gnomAD v4.1: 3 of 1,613,852 alleles (0.00019%); highest among the groups gnomAD compares: African/African-American, 0.004%; no homozygotes.

Submission:

Athena Diagnostics
Classification: Uncertain significance. Last evaluated: 2023-12-29. Review status: criteria provided, single submitter. Criteria: Athena Diagnostics Criteria. Collection method: clinical testing. Allele origin: unknown.
Comment: Available data are insufficient to determine the clinical significance of the variant at this time. The frequency of this variant in the general population is uninformative in assessment of its pathogenicity. Computational tools predict that this variant is not damaging.

NM_173500.4(TTBK2):c.2535G>T (p.Lys845Asn)

Gene: TTBK2 (tau tubulin kinase 2; minus strand). Cytogenetic location: 15q15.2.
Variant type: single nucleotide variant.
Coding change: c.2535G>T on transcript NM_173500.4 (MANE Select); coding-DNA position 2535, G replaced by T.
Protein change: p.Lys845Asn; replaces lysine 845 with asparagine.
Molecular consequence: missense variant.
Genome position (GRCh38, 1-based): chr15:42,752,711, C>A on the plus strand (G>T on the coding strand, the complement: TTBK2 is on the minus strand). VCF-style: chr15-42752711-C-A. GRCh37 (hg19) VCF-style: chr15-43044909-C-A.
Other names: short protein forms K845N.
Identifiers: ClinVar variation 3571916 (VCV003571916.1).